The following is an entry in ClinVar:

ClinVar aggregate classification (germline): Uncertain significance (1 of 4 stars; one submission).

Submission:

Women's Health and Genetics/Laboratory Corporation of America, LabCorp
Classification: Uncertain significance. Last evaluated: 2022-02-05. Review status: criteria provided, single submitter. Criteria: LabCorp Variant Classification Summary - May 2015. Collection method: clinical testing. Allele origin: germline.
Comment: Variant summary: NOTCH3 c.1788delA (p.Lys596AsnfsX3) results in a premature termination codon, predicted to cause a truncation of the encoded protein or absence of the protein due to nonsense mediated decay, which are commonly known mechanisms for disease. The variant allele was found at a frequency of 8e-06 in 250838 control chromosomes. The available data on variant occurrences in the general population are insufficient to allow any conclusion about variant significance. To our knowledge, no occurrence of c.1788delA in individuals affected with NOTCH3-Related Disorders/CADASIL and no experimental evidence demonstrating its impact on protein function have been reported. No clinical diagnostic laboratories have submitted clinical-significance assessments for this variant to ClinVar after 2014. Based on the evidence outlined above, the variant was classified as uncertain significance.

NM_000435.3(NOTCH3):c.1788del (p.Lys596fs)

Gene: NOTCH3 (notch receptor 3; minus strand). Cytogenetic location: 19p13.12.
Variant type: Deletion.
Coding change: c.1788del on transcript NM_000435.3 (MANE Select); coding-DNA position 1788, one base deleted (A; older notation c.1788delA).
Protein change: p.Lys596fs; shifts the reading frame from lysine 596.
Molecular consequence: frameshift variant.
Genome position (GRCh38, 1-based): chr19:15,187,157, T deleted on the plus strand (A on the coding strand, the reverse complement: NOTCH3 is on the minus strand); the first of 3 consecutive T bases (chr19:15,187,157-15,187,159); deleting any one gives the same sequence. VCF-style (leftmost placement, unchanged base first): chr19-15187156-AT-A. GRCh37 (hg19) VCF-style: chr19-15297967-AT-A.
Other names: short protein forms K596fs.
Identifiers: ClinVar variation 1343480 (VCV001343480.1), dbSNP rs1303316005, ClinGen allele CA632128068.